The following is an entry in ClinVar:

NM_014028.4(OSTM1):c.75G>A (p.Trp25Ter)

Genes: OSTM1 (osteoclastogenesis associated transmembrane protein 1; minus strand), LOC129996933 (ATAC-STARR-seq lymphoblastoid silent region 17446; plus strand). Cytogenetic location: 6q21.
Variant type: single nucleotide variant.
Coding change: c.75G>A on transcript NM_014028.4 (MANE Select); coding-DNA position 75, G replaced by A.
Protein change: p.Trp25Ter; replaces tryptophan 25 with a stop codon.
Molecular consequence: nonsense.
Genome position (GRCh38, 1-based): chr6:108,074,577, C>T on the plus strand (G>A on the coding strand, the complement: OSTM1 is on the minus strand). VCF-style: chr6-108074577-C-T. GRCh37 (hg19) VCF-style: chr6-108395781-C-T.
Other names: short protein forms W25*.
Identifiers: ClinVar variation 3671439 (VCV003671439.2).

ClinVar aggregate classification (germline): Pathogenic (1 of 4 stars; one submission).

gnomAD v4.1: 2 of 1,565,958 alleles (0.00013%); highest among the groups gnomAD compares: African/African-American, 0.0027%; no homozygotes.

Submission:

Labcorp Genetics (formerly Invitae), Labcorp
Classification: Pathogenic. Last evaluated: 2024-02-11. Review status: criteria provided, single submitter. Criteria: Invitae Variant Classification Sherloc (09022015). Collection method: clinical testing. Allele origin: germline.
Comment: This sequence change creates a premature translational stop signal (p.Trp25*) in the OSTM1 gene. It is expected to result in an absent or disrupted protein product. Loss-of-function variants in OSTM1 are known to be pathogenic (PMID: 12627228, 15108279, 16813530). This variant is not present in population databases (gnomAD no frequency). This variant has not been reported in the literature in individuals affected with OSTM1-related conditions. For these reasons, this variant has been classified as Pathogenic.

Literature cited by the submitters: PubMed 12627228; PubMed 15108279; PubMed 16813530.